The following is an entry in ClinVar:

ClinVar aggregate classification (germline): Likely pathogenic (1 of 4 stars; one submission).

Conditions:
Aland island eye disease (AIED). Also called: Forsius Eriksson type ocular albinism. Identifiers: Orphanet 178333, MedGen C0268505, MONDO:0010371, OMIM 300600.

Submission:

Genomics, Clalit Research Institute, Clalit Health Care
Classification: Likely pathogenic for Aland island eye disease. Last evaluated: 2025-02-24. Review status: criteria provided, single submitter. Criteria: ACMG Guidelines, 2015. Collection method: clinical testing. Allele origin: germline. Inheritance: X-linked inheritance. Affected: yes. Observed: 1 hemizygote.
Comment: Frequency: The variant is absent from the gnomAD reference population dataset. Variant type: Null variant (frameshift indel) in a gene where LOF is a known mechanism of disease. Predicted to undergo NMD. Clinical evidence: To date, the variant has not been described by reputable sources or in the primary literature.

NM_001256789.3(CACNA1F):c.1019_1025del

Gene: CACNA1F (calcium voltage-gated channel subunit alpha1 F; minus strand). Cytogenetic location: Xp11.23.
Variant type: Deletion.
Coding change: c.1019_1025del on transcript NM_001256789.3 (MANE Select); coding-DNA positions 1019 to 1025, 7 bases deleted (AAGATGC; older notation c.1019_1025delAAGATGC).
Molecular consequence: splice acceptor variant.
Genome position (GRCh38, 1-based): chrX:49,228,129-49,228,135, GCATCTT deleted on the plus strand (AAGATGC on the coding strand, the reverse complement: CACNA1F is on the minus strand); deleting any 7 consecutive bases within chrX:49,228,129-49,228,141 gives the same sequence; the c. name uses the placement nearest the transcript's 3' end. VCF-style (leftmost placement, unchanged base first): chrX-49228128-GGCATCTT-G. GRCh37 (hg19) VCF-style: chrX-49084590-GGCATCTT-G.
Identifiers: ClinVar variation 3897718 (VCV003897718.1).
Genomic context (GRCh38, chrX:49,228,128, plus strand): 5'-GAAGAAGGACCCAAAGATGACAAGGCTCACAAAGTACACCCAGGGCAGTTCATACCCCAT[GGCATCTT>G]GCATCTGGGGAGAGAAAAGGCATGCATCCCTCAGGGTAGGCAGACACTCCTGCGTGAGTG-3'